The following is an entry in ClinVar:

NM_004370.6(COL12A1):c.8302G>A (p.Gly2768Ser)

Gene: COL12A1 (collagen type XII alpha 1 chain; minus strand). Cytogenetic location: 6q13.
Variant type: single nucleotide variant.
Coding change: c.8302G>A on transcript NM_004370.6 (MANE Select); coding-DNA position 8302, G replaced by A.
Protein change: p.Gly2768Ser; replaces glycine 2768 with serine.
Molecular consequence: missense variant.
Genome position (GRCh38, 1-based): chr6:75,103,774, C>T on the plus strand (G>A on the coding strand, the complement: COL12A1 is on the minus strand). VCF-style: chr6-75103774-C-T. GRCh37 (hg19) VCF-style: chr6-75813490-C-T.
Other names: c.8302G>A, p.Gly2768Ser (NM_001424113.1); c.8281G>A, p.Gly2761Ser (NM_001424114.1); c.8029G>A, p.Gly2677Ser (NM_001424115.1); c.4810G>A, p.Gly1604Ser (NM_001424116.1, NM_080645.3); short protein forms G1604S, G2677S, G2761S, G2768S.
Identifiers: ClinVar variation 3361633 (VCV003361633.1).

ClinVar aggregate classification (germline): Uncertain significance (1 of 4 stars; one submission).

Submission:

GeneDx
Classification: Uncertain significance. Last evaluated: 2023-08-02. Review status: criteria provided, single submitter. Criteria: GeneDx Variant Classification Process June 2021. Collection method: clinical testing. Allele origin: germline. Affected: yes.
Comment: Not observed at significant frequency in large population cohorts (gnomAD); In silico analysis supports that this missense variant has a deleterious effect on protein structure/function; Has not been previously published as pathogenic or benign to our knowledge